The following is an entry in ClinVar:

NM_000548.5(TSC2):c.4888G>A (p.Val1630Met)

Gene: TSC2 (TSC complex subunit 2; plus strand). Cytogenetic location: 16p13.3.
Variant type: single nucleotide variant.
Coding change: c.4888G>A on transcript NM_000548.5 (MANE Select); coding-DNA position 4888, G replaced by A.
Protein change: p.Val1630Met; replaces valine 1630 with methionine.
Molecular consequence: missense variant.
Genome position (GRCh38, 1-based): chr16:2,086,770, G>A. VCF-style: chr16-2086770-G-A. GRCh37 (hg19) VCF-style: chr16-2136771-G-A.
Other names: c.4888G>A (NM_000548.4); c.4687G>A, p.Val1563Met (NM_001077183.3); c.4819G>A, p.Val1607Met (NM_001114382.3); c.4579G>A, p.Val1527Met (NM_001318827.2); c.4543G>A, p.Val1515Met (NM_001318829.2); c.4156G>A, p.Val1386Met (NM_001318831.2); c.4720G>A, p.Val1574Met (NM_001318832.2); c.4690G>A, p.Val1564Met (NM_001363528.2); and 2 more; short protein forms V1630M, V1527M, V1515M, V1574M, V1586M, V1386M, V1563M, V1564M.
Identifiers: ClinVar variation 318334 (VCV000318334.28), dbSNP rs886051796, ClinGen allele CA10648023.

ClinVar aggregate classification (germline): Conflicting classifications of pathogenicity. Review status: criteria provided, conflicting classifications (1 of 4 stars). 7 submissions from 7 submitters: Uncertain significance (2); Benign (1); Likely benign (3). 1 of the submissions does not count toward it. Last evaluated 2026-01-10.

Conditions:
TSC2-related disorder. Also called: TSC2-related condition; TSC2-Related Disorders.
Hereditary cancer-predisposing syndrome. Also called: Neoplastic Syndromes, Hereditary; Hereditary neoplastic syndrome; Tumor predisposition; Hereditary Cancer Syndrome. Identifiers: Orphanet 140162, MedGen C0027672, MeSH D009386, MONDO:0015356.
Tuberous sclerosis syndrome (TSC). Also called: Tuberous Sclerosis Complex; Tuberous sclerosis. Identifiers: Orphanet 805, MedGen C0041341, MONDO:0001734.
Tuberous sclerosis 2 (TSC2). Identifiers: Orphanet 805, MedGen C1860707, MONDO:0013199, OMIM 613254.

Allele frequency attached by ClinVar (database versions not stated): gnomAD 0.00001 and 0.00002; gnomAD exomes 0.00001 and 0.00002; TOPMed 0.00001.
gnomAD v4.1: 25 of 1,611,178 alleles (0.0016%); highest among the groups gnomAD compares: South Asian, 0.0022%; no homozygotes.

Submissions (7):

Labcorp Genetics (formerly Invitae), Labcorp
Classification: Benign for Tuberous sclerosis 2. Last evaluated: 2026-01-10. Review status: criteria provided, single submitter. Criteria: Invitae Variant Classification Sherloc (09022015). Collection method: clinical testing. Allele origin: germline.

Color Diagnostics, LLC DBA Color Health
Classification: Uncertain significance for Tuberous sclerosis syndrome. Last evaluated: 2024-05-23. Review status: criteria provided, single submitter. Criteria: ACMG Guidelines, 2015. Collection method: clinical testing. Allele origin: germline.
Comment: This missense variant replaces valine with methionine at codon 1630 of the TSC2 protein. Computational prediction is inconclusive regarding the impact of this variant on protein structure and function. To our knowledge, functional studies have not been reported for this variant. This variant has not been reported in individuals affected with TSC2-related disorders in the literature. This variant has been identified in 3/280892 chromosomes in the general population by the Genome Aggregation Database (gnomAD). The available evidence is insufficient to determine the role of this variant in disease conclusively. Therefore, this variant is classified as a Variant of Uncertain Significance.

Ambry Genetics
Classification: Likely benign for Hereditary cancer-predisposing syndrome. Last evaluated: 2023-01-17. Review status: criteria provided, single submitter. Criteria: Ambry Variant Classification Scheme 2023. Collection method: clinical testing. Allele origin: germline.

Genome-Nilou Lab
Classification: Likely benign for Tuberous sclerosis 2. Last evaluated: 2021-11-07. Review status: criteria provided, single submitter. Criteria: ACMG Guidelines, 2015. Collection method: clinical testing. Allele origin: germline. Affected: no.

GeneDx
Classification: Likely benign. Last evaluated: 2020-02-13. Review status: criteria provided, single submitter. Criteria: GeneDx Variant Classification Process June 2021. Collection method: clinical testing. Allele origin: germline. Affected: yes.

Illumina Laboratory Services, Illumina
Classification: Uncertain significance for Tuberous sclerosis syndrome. Last evaluated: 2018-01-12. Review status: criteria provided, single submitter. Criteria: ICSL Variant Classification Criteria 13 December 2019. Collection method: clinical testing. Allele origin: germline.

PreventionGenetics, part of Exact Sciences
Classification: Likely benign for TSC2-related condition. Last evaluated: 2024-01-10. Review status: no assertion criteria provided. Collection method: clinical testing. Allele origin: germline. Not counted in ClinVar's aggregate classification.
Comment: This variant is classified as likely benign based on ACMG/AMP sequence variant interpretation guidelines (Richards et al. 2015 PMID: 25741868, with internal and published modifications).